The following is an entry in ClinVar:

NM_032608.7(MYO18B):c.4495C>T (p.Gln1499Ter)

Genes: MYO18B (myosin XVIIIB; plus strand), MYO18B-AS1 (MYO18B antisense RNA 1; minus strand). Cytogenetic location: 22q12.1.
Variant type: single nucleotide variant.
Coding change: c.4495C>T on transcript NM_032608.7 (MANE Select); coding-DNA position 4495, C replaced by T.
Protein change: p.Gln1499Ter; replaces glutamine 1499 with a stop codon.
Molecular consequence: nonsense.
Genome position (GRCh38, 1-based): chr22:25,891,364, C>T. VCF-style: chr22-25891364-C-T. GRCh37 (hg19) VCF-style: chr22-26287331-C-T.
Other names: c.4498C>T, p.Gln1500Ter (NM_001318245.2); short protein forms Q1499*, Q1500*.
Identifiers: ClinVar variation 3642999 (VCV003642999.2).
Genomic context (GRCh38, chr22:25,891,364, plus strand): 5'-AGCAAGCATGAACAAGTCCAGAAAAAACTGGGAGATGTGAATAAACAGTTGGAAGAAGCC[C>T]AGCAGAAAATTCAGTTGAATGACTTGGAAAGGAATCCCACTGGAGGAGGTGAGCAGCCTG-3'

ClinVar aggregate classification (germline): Pathogenic (1 of 4 stars; one submission).

Submission:

Labcorp Genetics (formerly Invitae), Labcorp
Classification: Pathogenic. Last evaluated: 2024-03-02. Review status: criteria provided, single submitter. Criteria: Invitae Variant Classification Sherloc (09022015). Collection method: clinical testing. Allele origin: germline.
Comment: This sequence change creates a premature translational stop signal (p.Gln1499*) in the MYO18B gene. It is expected to result in an absent or disrupted protein product. Loss-of-function variants in MYO18B are known to be pathogenic (PMID: 25748484, 32184166, 32637634). This variant is not present in population databases (gnomAD no frequency). This variant has not been reported in the literature in individuals affected with MYO18B-related conditions. Algorithms developed to predict the effect of sequence changes on RNA splicing suggest that this variant may disrupt the consensus splice site. For these reasons, this variant has been classified as Pathogenic.

Literature cited by the submitters: PubMed 25748484; PubMed 32184166; PubMed 32637634.